The following is an entry in ClinVar:

NM_025114.4(CEP290):c.904A>G (p.Ile302Val)

Gene: CEP290 (centrosomal protein 290; minus strand). Cytogenetic location: 12q21.32.
Variant type: single nucleotide variant.
Coding change: c.904A>G on transcript NM_025114.4 (MANE Select); coding-DNA position 904, A replaced by G.
Protein change: p.Ile302Val; replaces isoleucine 302 with valine.
Molecular consequence: missense variant.
Genome position (GRCh38, 1-based): chr12:88,128,984, T>C on the plus strand (A>G on the coding strand, the complement: CEP290 is on the minus strand). VCF-style: chr12-88128984-T-C. GRCh37 (hg19) VCF-style: chr12-88522761-T-C.
Other names: c.904A>G (NM_025114.3); short protein forms I302V.
Identifiers: ClinVar variation 1373969 (VCV001373969.11), dbSNP rs764495570, ClinGen allele CA6712675.

ClinVar aggregate classification (germline): Uncertain significance. Review status: criteria provided, multiple submitters, no conflicts (2 of 4 stars). 5 submissions from 5 submitters: Uncertain significance (5). Last evaluated 2026-04-27.

Conditions:
Meckel syndrome, type 4 (MKS4). Also called: MECKEL-GRUBER SYNDROME, TYPE 4. Identifiers: Orphanet 564, MedGen C1970161, MONDO:0012626, OMIM 611134.
Bardet-Biedl syndrome 14 (BBS14). Identifiers: Orphanet 110, MedGen C2673874, MONDO:0014442, OMIM 615991.
Senior-Loken syndrome 6 (SLSN6). Identifiers: Orphanet 3156, MedGen C1857779, MONDO:0012433, OMIM 610189.
Joubert syndrome 5 (JBTS5). Identifiers: Orphanet 2318, MedGen C1857780, MONDO:0012432, OMIM 610188.
Leber congenital amaurosis 10 (LCA10). Identifiers: Orphanet 65, MedGen C1857821, MONDO:0012723, OMIM 611755.
CEP290-related disorder. Also called: CEP290-related condition; CEP290-related disorders. Identifiers: MedGen CN239314.
Joubert syndrome. Also called: Familial aplasia of the vermis; JOUBERT-BOLTSHAUSER SYNDROME. Identifiers: Orphanet 475, MedGen C5979921, MONDO:0018772.
Nephronophthisis. Also called: Juvenile Nephronophthisis. Identifiers: Orphanet 655, MedGen C0687120, MONDO:0019005, HP:0000090.
Meckel-Gruber syndrome. Also called: Dysencephalia splachnocystica; GRUBER SYNDROME; DYSENCEPHALIA SPLANCHNOCYSTICA. Identifiers: Orphanet 564, MedGen C0265215, MONDO:0018921.

Allele frequency attached by ClinVar (database versions not stated): gnomAD exomes below 0.00001; ExAC 0.00002; gnomAD 0.00010 and 0.00012; TOPMed 0.00015.
gnomAD v4.1: 22 of 1,541,296 alleles (0.0014%); highest among the groups gnomAD compares: African/African-American, 0.028%; no homozygotes.

Submissions (5):

PreventionGenetics, part of Exact Sciences
Classification: Uncertain significance for CEP290-related condition. Last evaluated: 2026-04-27. Review status: criteria provided, single submitter. Criteria: ACMG Guidelines, 2015. Collection method: clinical testing. Allele origin: germline.
Comment: The CEP290 c.904A>G variant is predicted to result in the amino acid substitution p.Ile302Val. This variant was reported in the heterozygous state along with c.3520_3522delCAA (p.Gln1174del) in an individual with spermatogenic failure (Hardy et al. 2022. PubMed ID: 35849255). This variant is reported in 0.030% of alleles in individuals of African descent in gnomAD. The gnomAD co-occurrence calculator predicts that this variant and the c.3520_3522delCAA (p.Gln1174del) variant are a part of the same haplotype. At this time, the clinical significance of this variant is uncertain due to the absence of conclusive functional and genetic evidence.

Labcorp Genetics (formerly Invitae), Labcorp
Classification: Uncertain significance for Joubert syndrome; Meckel-Gruber syndrome; Nephronophthisis. Last evaluated: 2025-05-04. Review status: criteria provided, single submitter. Criteria: Invitae Variant Classification Sherloc (09022015). Collection method: clinical testing. Allele origin: germline.
Comment: This sequence change replaces isoleucine, which is neutral and non-polar, with valine, which is neutral and non-polar, at codon 302 of the CEP290 protein (p.Ile302Val). The frequency data for this variant in the population databases is considered unreliable, as metrics indicate poor data quality at this position in the gnomAD database. This missense change has been observed in individual(s) with CEP290-related conditions (internal data). ClinVar contains an entry for this variant (Variation ID: 1373969). Invitae Evidence Modeling of protein sequence and biophysical properties (such as structural, functional, and spatial information, amino acid conservation, physicochemical variation, residue mobility, and thermodynamic stability) indicates that this missense variant is not expected to disrupt CEP290 protein function with a negative predictive value of 80%. In summary, the available evidence is currently insufficient to determine the role of this variant in disease. Therefore, it has been classified as a Variant of Uncertain Significance.

GeneDx
Classification: Uncertain significance. Last evaluated: 2025-02-10. Review status: criteria provided, single submitter. Criteria: GeneDx Variant Classification Process June 2021. Collection method: clinical testing. Allele origin: germline. Affected: yes.
Comment: Observed in a patient with spermatogenic failure who harbored a second CEP290 variant in unknown phase, as well as an additional variant in a different gene (PMID: 35849255); In silico analysis indicates that this missense variant does not alter protein structure/function; This variant is associated with the following publications: (PMID: 35849255)

Fulgent Genetics
Classification: Uncertain significance for Joubert syndrome 5; Senior-Loken syndrome 6; Meckel syndrome, type 4; Leber congenital amaurosis 10; Bardet-Biedl syndrome 14. Last evaluated: 2023-12-27. Review status: criteria provided, single submitter. Criteria: ACMG Guidelines, 2015. Collection method: clinical testing. Allele origin: germline.

Blueprint Genetics
Classification: Uncertain significance. Last evaluated: 2020-11-25. Review status: criteria provided, single submitter. Criteria: ACMG Guidelines, 2015. Collection method: clinical testing. Allele origin: germline.